The following is an entry in ClinVar:

NM_002485.5(NBN):c.897-2A>G

Gene: NBN (nibrin; minus strand). Cytogenetic location: 8q21.3.
Variant type: single nucleotide variant.
Coding change: c.897-2A>G on transcript NM_002485.5 (MANE Select); the canonical splice acceptor site of the intron before coding-DNA position 897, A replaced by G.
Molecular consequence: splice acceptor variant.
Genome position (GRCh38, 1-based): chr8:89,964,509, T>C on the plus strand (A>G on the coding strand, the complement: NBN is on the minus strand). VCF-style: chr8-89964509-T-C. GRCh37 (hg19) VCF-style: chr8-90976737-T-C.
Other names: c.651-2A>G (NM_001024688.3).
Identifiers: ClinVar variation 640686 (VCV000640686.7), dbSNP rs864622090, ClinGen allele CA371657180.

ClinVar aggregate classification (germline): Likely pathogenic (1 of 4 stars; one submission).

Conditions:
Microcephaly, normal intelligence and immunodeficiency (NBS). Also called: IMMUNODEFICIENCY, MICROCEPHALY, AND CHROMOSOMAL INSTABILITY; Immunodeficiency, microcephaly with normal intelligence; SEEMANOVA SYNDROME II; Ataxia telangiectasia variant V1; Microcephaly with normal intelligence immunodeficiency and lymphoreticular malignancies; Nonsyndromal microcephaly autosomal recessive with normal intelligence. Identifiers: Orphanet 647, MedGen C0398791, MONDO:0009623, OMIM 251260.

Submission:

Labcorp Genetics (formerly Invitae), Labcorp
Classification: Likely pathogenic for Microcephaly, normal intelligence and immunodeficiency. Last evaluated: 2023-10-20. Review status: criteria provided, single submitter. Criteria: Invitae Variant Classification Sherloc (09022015). Collection method: clinical testing. Allele origin: germline.
Comment: This sequence change affects an acceptor splice site in intron 7 of the NBN gene. It is expected to disrupt RNA splicing. Variants that disrupt the donor or acceptor splice site typically lead to a loss of protein function (PMID: 16199547), and loss-of-function variants in NBN are known to be pathogenic (PMID: 9590180, 16415040). This variant is not present in population databases (gnomAD no frequency). This variant has not been reported in the literature in individuals affected with NBN-related conditions. ClinVar contains an entry for this variant (Variation ID: 640686). Algorithms developed to predict the effect of sequence changes on RNA splicing suggest that this variant may disrupt the consensus splice site. In summary, the currently available evidence indicates that the variant is pathogenic, but additional data are needed to prove that conclusively. Therefore, this variant has been classified as Likely Pathogenic.

Literature cited by the submitters: PubMed 16199547; PubMed 9590180; PubMed 16415040.